The following is an entry in ClinVar:

NM_002474.3(MYH11):c.1575+99G>A

Gene: MYH11 (myosin heavy chain 11; minus strand). Cytogenetic location: 16p13.11.
Variant type: single nucleotide variant.
Coding change: c.1575+99G>A on transcript NM_002474.3 (MANE Select); 99 bases into the intron after coding-DNA position 1575, G replaced by A.
Molecular consequence: intron variant.
Genome position (GRCh38, 1-based): chr16:15,757,728, C>T on the plus strand (G>A on the coding strand, the complement: MYH11 is on the minus strand). VCF-style: chr16-15757728-C-T. GRCh37 (hg19) VCF-style: chr16-15851585-C-T.
Other names: c.1575+99G>A (NM_022844.3); c.1596+99G>A (NM_001040114.2, NM_001040113.2).
Identifiers: ClinVar variation 675826 (VCV000675826.1), dbSNP rs146822558, ClinGen allele CA278644136.

ClinVar aggregate classification (germline): Likely benign (1 of 4 stars; one submission).

Allele frequency attached by ClinVar (database versions not stated): gnomAD exomes 0.00050; 1000 Genomes Project 0.00479; 1000 Genomes Project 30x 0.00484; gnomAD 0.00528 and 0.00568; TOPMed 0.00578.
gnomAD v4.1: 1,469 of 1,461,292 alleles (0.1%); highest among the groups gnomAD compares: African/African-American, 1.9%; 12 homozygotes.

Submission:

GeneDx
Classification: Likely benign. Last evaluated: 2018-06-16. Review status: criteria provided, single submitter. Criteria: GeneDx Variant Classification (06012015). Collection method: clinical testing. Allele origin: germline. Affected: yes.
Comment: This variant is considered likely benign or benign based on one or more of the following criteria: it is a conservative change, it occurs at a poorly conserved position in the protein, it is predicted to be benign by multiple in silico algorithms, and/or has population frequency not consistent with disease.